The following continues an entry in ClinVar:

NM_020117.11(LARS1):c.2488-7T>G

Gene: LARS1. ClinVar aggregate classification (germline): Benign. Benign (2).

Submissions 32 to 67 of 106:

Dr. Peter K. Rogan Lab, Western University
No classification provided (evidence only). Condition: Uterine corpus endometrial carcinoma. Review status: no classification provided. Collection method: in vitro. Allele origin: not applicable. Functional consequence: retained intron. Not counted in ClinVar's aggregate classification.

Dr. Peter K. Rogan Lab, Western University
No classification provided (evidence only). Condition: Nonpapillary renal cell carcinoma. Review status: no classification provided. Collection method: in vitro. Allele origin: not applicable. Functional consequence: retained intron. Not counted in ClinVar's aggregate classification.

Dr. Peter K. Rogan Lab, Western University
No classification provided (evidence only). Condition: Nonpapillary renal cell carcinoma. Review status: no classification provided. Collection method: in vitro. Allele origin: not applicable. Functional consequence: retained intron. Not counted in ClinVar's aggregate classification.

Dr. Peter K. Rogan Lab, Western University
No classification provided (evidence only). Condition: Nonpapillary renal cell carcinoma. Review status: no classification provided. Collection method: in vitro. Allele origin: not applicable. Functional consequence: retained intron. Not counted in ClinVar's aggregate classification.

Dr. Peter K. Rogan Lab, Western University
No classification provided (evidence only). Condition: Nonpapillary renal cell carcinoma. Review status: no classification provided. Collection method: in vitro. Allele origin: not applicable. Functional consequence: retained intron. Not counted in ClinVar's aggregate classification.

Dr. Peter K. Rogan Lab, Western University
No classification provided (evidence only). Condition: Nonpapillary renal cell carcinoma. Review status: no classification provided. Collection method: in vitro. Allele origin: not applicable. Functional consequence: retained intron. Not counted in ClinVar's aggregate classification.

Dr. Peter K. Rogan Lab, Western University
No classification provided (evidence only). Condition: Nonpapillary renal cell carcinoma. Review status: no classification provided. Collection method: in vitro. Allele origin: not applicable. Functional consequence: retained intron. Not counted in ClinVar's aggregate classification.

Dr. Peter K. Rogan Lab, Western University
No classification provided (evidence only). Condition: Nonpapillary renal cell carcinoma. Review status: no classification provided. Collection method: in vitro. Allele origin: not applicable. Functional consequence: retained intron. Not counted in ClinVar's aggregate classification.

Dr. Peter K. Rogan Lab, Western University
No classification provided (evidence only). Condition: Nonpapillary renal cell carcinoma. Review status: no classification provided. Collection method: in vitro. Allele origin: not applicable. Functional consequence: retained intron. Not counted in ClinVar's aggregate classification.

Dr. Peter K. Rogan Lab, Western University
No classification provided (evidence only). Condition: Nonpapillary renal cell carcinoma. Review status: no classification provided. Collection method: in vitro. Allele origin: not applicable. Functional consequence: retained intron. Not counted in ClinVar's aggregate classification.

Dr. Peter K. Rogan Lab, Western University
No classification provided (evidence only). Condition: Nonpapillary renal cell carcinoma. Review status: no classification provided. Collection method: in vitro. Allele origin: not applicable. Functional consequence: retained intron. Not counted in ClinVar's aggregate classification.

Dr. Peter K. Rogan Lab, Western University
No classification provided (evidence only). Condition: Thymoma. Review status: no classification provided. Collection method: in vitro. Allele origin: not applicable. Functional consequence: retained intron. Not counted in ClinVar's aggregate classification.

Dr. Peter K. Rogan Lab, Western University
No classification provided (evidence only). Condition: Thymoma. Review status: no classification provided. Collection method: in vitro. Allele origin: not applicable. Functional consequence: retained intron. Not counted in ClinVar's aggregate classification.

Dr. Peter K. Rogan Lab, Western University
No classification provided (evidence only). Condition: Thymoma. Review status: no classification provided. Collection method: in vitro. Allele origin: not applicable. Functional consequence: retained intron. Not counted in ClinVar's aggregate classification.

Dr. Peter K. Rogan Lab, Western University
No classification provided (evidence only). Condition: Thymoma. Review status: no classification provided. Collection method: in vitro. Allele origin: not applicable. Functional consequence: retained intron. Not counted in ClinVar's aggregate classification.

Dr. Peter K. Rogan Lab, Western University
No classification provided (evidence only). Condition: Thymoma. Review status: no classification provided. Collection method: in vitro. Allele origin: not applicable. Functional consequence: retained intron. Not counted in ClinVar's aggregate classification.

Dr. Peter K. Rogan Lab, Western University
No classification provided (evidence only). Condition: Thymoma. Review status: no classification provided. Collection method: in vitro. Allele origin: not applicable. Functional consequence: retained intron. Not counted in ClinVar's aggregate classification.

Dr. Peter K. Rogan Lab, Western University
No classification provided (evidence only). Condition: Thymoma. Review status: no classification provided. Collection method: in vitro. Allele origin: not applicable. Functional consequence: retained intron. Not counted in ClinVar's aggregate classification.

Dr. Peter K. Rogan Lab, Western University
No classification provided (evidence only). Condition: Uterine carcinosarcoma. Review status: no classification provided. Collection method: in vitro. Allele origin: not applicable. Functional consequence: retained intron. Not counted in ClinVar's aggregate classification.

Dr. Peter K. Rogan Lab, Western University
No classification provided (evidence only). Condition: Uterine carcinosarcoma. Review status: no classification provided. Collection method: in vitro. Allele origin: not applicable. Functional consequence: retained intron. Not counted in ClinVar's aggregate classification.

Dr. Peter K. Rogan Lab, Western University
No classification provided (evidence only). Condition: Uterine carcinosarcoma. Review status: no classification provided. Collection method: in vitro. Allele origin: not applicable. Functional consequence: retained intron. Not counted in ClinVar's aggregate classification.

Dr. Peter K. Rogan Lab, Western University
No classification provided (evidence only). Condition: Uterine carcinosarcoma. Review status: no classification provided. Collection method: in vitro. Allele origin: not applicable. Functional consequence: retained intron. Not counted in ClinVar's aggregate classification.

Dr. Peter K. Rogan Lab, Western University
No classification provided (evidence only). Condition: Uterine carcinosarcoma. Review status: no classification provided. Collection method: in vitro. Allele origin: not applicable. Functional consequence: retained intron. Not counted in ClinVar's aggregate classification.

Dr. Peter K. Rogan Lab, Western University
No classification provided (evidence only). Condition: Uveal melanoma. Review status: no classification provided. Collection method: in vitro. Allele origin: not applicable. Functional consequence: retained intron. Not counted in ClinVar's aggregate classification.

Dr. Peter K. Rogan Lab, Western University
No classification provided (evidence only). Condition: Uveal melanoma. Review status: no classification provided. Collection method: in vitro. Allele origin: not applicable. Functional consequence: retained intron. Not counted in ClinVar's aggregate classification.

Dr. Peter K. Rogan Lab, Western University
No classification provided (evidence only). Condition: Uveal melanoma. Review status: no classification provided. Collection method: in vitro. Allele origin: not applicable. Functional consequence: retained intron. Not counted in ClinVar's aggregate classification.

Dr. Peter K. Rogan Lab, Western University
No classification provided (evidence only). Condition: Uveal melanoma. Review status: no classification provided. Collection method: in vitro. Allele origin: not applicable. Functional consequence: retained intron. Not counted in ClinVar's aggregate classification.

Dr. Peter K. Rogan Lab, Western University
No classification provided (evidence only). Condition: Uveal melanoma. Review status: no classification provided. Collection method: in vitro. Allele origin: not applicable. Functional consequence: retained intron. Not counted in ClinVar's aggregate classification.

Dr. Peter K. Rogan Lab, Western University
No classification provided (evidence only). Condition: Uveal melanoma. Review status: no classification provided. Collection method: in vitro. Allele origin: not applicable. Functional consequence: retained intron. Not counted in ClinVar's aggregate classification.

Dr. Peter K. Rogan Lab, Western University
No classification provided (evidence only). Condition: Chronic lymphocytic leukemia/small lymphocytic lymphoma. Review status: no classification provided. Collection method: in vitro. Allele origin: not applicable. Functional consequence: retained intron. Not counted in ClinVar's aggregate classification.

Dr. Peter K. Rogan Lab, Western University
No classification provided (evidence only). Condition: Chronic lymphocytic leukemia/small lymphocytic lymphoma. Review status: no classification provided. Collection method: in vitro. Allele origin: not applicable. Functional consequence: retained intron. Not counted in ClinVar's aggregate classification.

Dr. Peter K. Rogan Lab, Western University
No classification provided (evidence only). Condition: Chronic lymphocytic leukemia/small lymphocytic lymphoma. Review status: no classification provided. Collection method: in vitro. Allele origin: not applicable. Functional consequence: retained intron. Not counted in ClinVar's aggregate classification.

Dr. Peter K. Rogan Lab, Western University
No classification provided (evidence only). Condition: Chronic lymphocytic leukemia/small lymphocytic lymphoma. Review status: no classification provided. Collection method: in vitro. Allele origin: not applicable. Functional consequence: retained intron. Not counted in ClinVar's aggregate classification.

Dr. Peter K. Rogan Lab, Western University
No classification provided (evidence only). Condition: Chronic lymphocytic leukemia/small lymphocytic lymphoma. Review status: no classification provided. Collection method: in vitro. Allele origin: not applicable. Functional consequence: retained intron. Not counted in ClinVar's aggregate classification.

Dr. Peter K. Rogan Lab, Western University
No classification provided (evidence only). Condition: Nonpapillary renal cell carcinoma. Review status: no classification provided. Collection method: in vitro. Allele origin: not applicable. Functional consequence: retained intron. Not counted in ClinVar's aggregate classification.

Dr. Peter K. Rogan Lab, Western University
No classification provided (evidence only). Condition: Nonpapillary renal cell carcinoma. Review status: no classification provided. Collection method: in vitro. Allele origin: not applicable. Functional consequence: retained intron. Not counted in ClinVar's aggregate classification.